The following is an entry in ClinVar:

NM_019842.4(KCNQ5):c.164G>A (p.Gly55Asp)

Genes: KCNQ5 (potassium voltage-gated channel subfamily Q member 5; plus strand), KCNQ5-DT (KCNQ5 divergent transcript; minus strand). Cytogenetic location: 6q13.
Variant type: single nucleotide variant.
Coding change: c.164G>A on transcript NM_019842.4 (MANE Select); coding-DNA position 164, G replaced by A.
Protein change: p.Gly55Asp; replaces glycine 55 with aspartic acid.
Molecular consequence: missense variant.
Genome position (GRCh38, 1-based): chr6:72,622,353, G>A. VCF-style: chr6-72622353-G-A. GRCh37 (hg19) VCF-style: chr6-73332081-G-A.
Other names: c.164G>A, p.Gly55Asp (NM_001160130.2, NM_001160132.2, NM_001160133.2 and 1 more transcripts); short protein forms G55D.
Identifiers: ClinVar variation 4823051 (VCV004823051.4).
Genomic context (GRCh38, chr6:72,622,353, plus strand): 5'-GCATGAAGGATGTGGAGTCCGGCCGGGGCAGGGTGCTGCTGAACTCGGCAGCCGCCAGGG[G>A]CGACGGCCTGCTACTGCTGGGCACCCGCGCGGCCACGCTCGGTGGCGGCGGCGGTGGCCT-3'
Protein context (NP_062816.2, residues 45-65): RVLLNSAAAR[Gly55Asp]DGLLLLGTRA

ClinVar aggregate classification (germline): Uncertain significance (1 of 4 stars; one submission).

Submission:

CeGaT Center for Human Genetics Tuebingen
Classification: Uncertain significance. Last evaluated: 2026-01-01. Review status: criteria provided, single submitter. Criteria: CeGaT Center For Human Genetics Tuebingen Variant Classification Criteria Version 2. Collection method: clinical testing. Allele origin: germline. Affected: yes. Observed: 1 variant allele.
Comment: KCNQ5: PM2, PP3